The following is an entry in ClinVar:

ClinVar aggregate classification (germline): Uncertain significance (1 of 4 stars; one submission).

Conditions:
Hereditary spastic paraplegia 11. Also called: Nakamura Osame syndrome; Autosomal recessive hereditary spastic paraplegia, mental impairment, and thin corpus callosum; SPASTIC PARAPLEGIA, AUTOSOMAL RECESSIVE, COMPLICATED, WITH THIN CORPUS CALLOSUM; SPASTIC PARAPLEGIA, AUTOSOMAL RECESSIVE, WITH MENTAL IMPAIRMENT AND THIN CORPUS CALLOSUM; Spastic paraplegia, mental retardation and thin corpus callosum; Spastic Paraplegia 11. Identifiers: Orphanet 2822, MedGen C1858479, MONDO:0011445, OMIM 604360.

Allele frequency attached by ClinVar (database versions not stated): TOPMed below 0.00001; gnomAD 0.00001.
gnomAD v4.1: 8 of 1,614,102 alleles (0.0005%); highest among the groups gnomAD compares: East Asian, 0.018%; no homozygotes.

Submission:

Labcorp Genetics (formerly Invitae), Labcorp
Classification: Uncertain significance for Hereditary spastic paraplegia 11. Last evaluated: 2021-10-21. Review status: criteria provided, single submitter. Criteria: Invitae Variant Classification Sherloc (09022015). Collection method: clinical testing. Allele origin: germline.
Comment: Algorithms developed to predict the effect of missense changes on protein structure and function output the following: SIFT: "Deleterious"; PolyPhen-2: "Possibly Damaging"; Align-GVGD: "Class C0". The arginine amino acid residue is found in multiple mammalian species, which suggests that this missense change does not adversely affect protein function. This sequence change replaces glutamine with arginine at codon 1507 of the SPG11 protein (p.Gln1507Arg). The glutamine residue is highly conserved and there is a small physicochemical difference between glutamine and arginine. This variant is not present in population databases (ExAC no frequency). This variant has not been reported in the literature in individuals affected with SPG11-related conditions. In summary, the available evidence is currently insufficient to determine the role of this variant in disease. Therefore, it has been classified as a Variant of Uncertain Significance.

NM_025137.4(SPG11):c.4520A>G (p.Gln1507Arg)

Gene: SPG11 (SPG11 vesicle trafficking associated, spatacsin; minus strand). Cytogenetic location: 15q21.1.
Variant type: single nucleotide variant.
Coding change: c.4520A>G on transcript NM_025137.4 (MANE Select); coding-DNA position 4520, A replaced by G.
Protein change: p.Gln1507Arg; replaces glutamine 1507 with arginine.
Molecular consequence: missense variant.
Genome position (GRCh38, 1-based): chr15:44,595,374, T>C on the plus strand (A>G on the coding strand, the complement: SPG11 is on the minus strand). VCF-style: chr15-44595374-T-C. GRCh37 (hg19) VCF-style: chr15-44887572-T-C.
Other names: c.4520A>G, p.Gln1507Arg (NM_001160227.2); short protein forms Q1507R.
Identifiers: ClinVar variation 1389087 (VCV001389087.5), dbSNP rs1267260382, ClinGen allele CA392226460.